The following is an entry in ClinVar:

ClinVar aggregate classification (germline): Uncertain significance (1 of 4 stars; one submission).

Submission:

Labcorp Genetics (formerly Invitae), Labcorp
Classification: Uncertain significance. Last evaluated: 2025-06-16. Review status: criteria provided, single submitter. Criteria: Invitae Variant Classification Sherloc (09022015). Collection method: clinical testing. Allele origin: germline.
Comment: This sequence change replaces arginine, which is basic and polar, with proline, which is neutral and non-polar, at codon 268 of the NYX protein (p.Arg268Pro). This variant is not present in population databases (gnomAD no frequency). This variant has not been reported in the literature in individuals affected with NYX-related conditions. Invitae Evidence Modeling of protein sequence and biophysical properties (such as structural, functional, and spatial information, amino acid conservation, physicochemical variation, residue mobility, and thermodynamic stability) indicates that this missense variant is not expected to disrupt NYX protein function with a negative predictive value of 80%. In summary, the available evidence is currently insufficient to determine the role of this variant in disease. Therefore, it has been classified as a Variant of Uncertain Significance.

NM_001378477.3(NYX):c.788G>C (p.Arg263Pro)

Gene: NYX (nyctalopin; plus strand). Cytogenetic location: Xp11.4.
Variant type: single nucleotide variant.
Coding change: c.788G>C on transcript NM_001378477.3 (MANE Select); coding-DNA position 788, G replaced by C.
Protein change: p.Arg263Pro; replaces arginine 263 with proline.
Molecular consequence: missense variant.
Genome position (GRCh38, 1-based): chrX:41,474,256, G>C. VCF-style: chrX-41474256-G-C. GRCh37 (hg19) VCF-style: chrX-41333509-G-C.
Other names: c.788G>C, p.Arg263Pro (NM_022567.3); short protein forms R263P.
Identifiers: ClinVar variation 4738994 (VCV004738994.1).